The following is an entry in ClinVar:

NM_001289808.2(CRYAB):c.325-170T>C

Gene: CRYAB (crystallin alpha B; minus strand). Cytogenetic location: 11q23.1.
Variant type: single nucleotide variant.
Coding change: c.325-170T>C on transcript NM_001289808.2 (MANE Select); 170 bases into the intron before coding-DNA position 325, T replaced by C.
Molecular consequence: intron variant.
Genome position (GRCh38, 1-based): chr11:111,909,137, A>G on the plus strand (T>C on the coding strand, the complement: CRYAB is on the minus strand). VCF-style: chr11-111909137-A-G. GRCh37 (hg19) VCF-style: chr11-111779861-A-G.
Other names: c.325-170T>C (NM_001368245.1, NM_001885.3, NM_001289807.1); c.124-170T>C (NM_001368246.1, NM_001330379.1).
Identifiers: ClinVar variation 675283 (VCV000675283.2), dbSNP rs41302377, ClinGen allele CA6275486.

ClinVar aggregate classification (germline): Likely benign. Review status: criteria provided, multiple submitters, no conflicts (2 of 4 stars). 2 submissions from 2 submitters: Likely benign (2). Last evaluated 2018-06-18.

Allele frequency attached by ClinVar (database versions not stated): 1000 Genomes Project 30x 0.00718; 1000 Genomes Project 0.00759; ExAC 0.01361; TOPMed 0.01704; gnomAD 0.02449.
gnomAD v4.1: 15,647 of 711,794 alleles (2.2%); highest among the groups gnomAD compares: Middle Eastern, 3.7%; 239 homozygotes.

Submissions (2):

GeneDx
Classification: Likely benign. Last evaluated: 2018-06-18. Review status: criteria provided, single submitter. Criteria: GeneDx Variant Classification (06012015). Collection method: clinical testing. Allele origin: germline. Affected: yes.
Comment: This variant is considered likely benign or benign based on one or more of the following criteria: it is a conservative change, it occurs at a poorly conserved position in the protein, it is predicted to be benign by multiple in silico algorithms, and/or has population frequency not consistent with disease.

Breakthrough Genomics
Classification: Likely benign. Review status: criteria provided, single submitter. Criteria: ACMG Guidelines, 2015. Collection method: not provided. Allele origin: germline. Inheritance: Autosomal recessive inheritance. Affected: yes.